The following is an entry in ClinVar:

NM_004655.4(AXIN2):c.1687G>A (p.Glu563Lys)

Gene: AXIN2 (axin 2; minus strand). Cytogenetic location: 17q24.1.
Variant type: single nucleotide variant.
Coding change: c.1687G>A on transcript NM_004655.4 (MANE Select); coding-DNA position 1687, G replaced by A.
Protein change: p.Glu563Lys; replaces glutamic acid 563 with lysine.
Molecular consequence: missense variant.
Genome position (GRCh38, 1-based): chr17:65,537,349, C>T on the plus strand (G>A on the coding strand, the complement: AXIN2 is on the minus strand). VCF-style: chr17-65537349-C-T. GRCh37 (hg19) VCF-style: chr17-63533467-C-T.
Other names: c.1687G>A, p.Glu563Lys (NM_001363813.1); short protein forms E563K.
Identifiers: ClinVar variation 1778040 (VCV001778040.2), dbSNP rs2509411149, ClinGen allele CA400676836.

ClinVar aggregate classification (germline): Uncertain significance (1 of 4 stars; one submission).

Conditions:
Hereditary cancer-predisposing syndrome. Also called: Neoplastic Syndromes, Hereditary; Tumor predisposition; Hereditary Cancer Syndrome; Hereditary neoplastic syndrome. Identifiers: Orphanet 140162, MedGen C0027672, MeSH D009386, MONDO:0015356.

Submission:

Ambry Genetics
Classification: Uncertain significance for Hereditary cancer-predisposing syndrome. Last evaluated: 2020-08-25. Review status: criteria provided, single submitter. Criteria: Ambry Variant Classification Scheme 2023. Collection method: clinical testing. Allele origin: germline.
Comment: The p.E563K variant (also known as c.1687G>A), located in coding exon 5 of the AXIN2 gene, results from a G to A substitution at nucleotide position 1687. The glutamic acid at codon 563 is replaced by lysine, an amino acid with similar properties. This amino acid position is well conserved in available vertebrate species. In addition, this alteration is predicted to be tolerated by in silico analysis. Since supporting evidence is limited at this time, the clinical significance of this alteration remains unclear.